The following is an entry in ClinVar:

NM_005188.4(CBL):c.2436T>G (p.Asn812Lys)

Gene: CBL (Cbl proto-oncogene; plus strand). Cytogenetic location: 11q23.3.
Variant type: single nucleotide variant.
Coding change: c.2436T>G on transcript NM_005188.4 (MANE Select); coding-DNA position 2436, T replaced by G.
Protein change: p.Asn812Lys; replaces asparagine 812 with lysine.
Molecular consequence: missense variant.
Genome position (GRCh38, 1-based): chr11:119,299,496, T>G. VCF-style: chr11-119299496-T-G. GRCh37 (hg19) VCF-style: chr11-119170206-T-G.
Other names: short protein forms N812K.
Identifiers: ClinVar variation 4706043 (VCV004706043.1).
Genomic context (GRCh38, chr11:119,299,496, plus strand): 5'-CTGTTGTTAAATGAGGATTTCCCCAGATTTGCAAATATTTTCTTTCCTATTTCTTCTAGA[T>G]GTCACTGAAGGTTCCCAAGTTCCCGAGAGGCCTCCAAAACCATTCCCGCGGAGAATCAAC-3'
Protein context (NP_005179.2, residues 802-822): WLSLDGDPTT[Asn812Lys]VTEGSQVPER

ClinVar aggregate classification (germline): Uncertain significance (1 of 4 stars; one submission).

Conditions:
RASopathy. Also called: rasopathies; Noonan spectrum disorder. Identifiers: Orphanet 536391, MedGen C5555857, MONDO:0021060.

Submission:

Labcorp Genetics (formerly Invitae), Labcorp
Classification: Uncertain significance for RASopathy. Last evaluated: 2025-11-22. Review status: criteria provided, single submitter. Criteria: Invitae Variant Classification Sherloc (09022015). Collection method: clinical testing. Allele origin: germline.
Comment: This sequence change replaces asparagine, which is neutral and polar, with lysine, which is basic and polar, at codon 812 of the CBL protein (p.Asn812Lys). This variant is not present in population databases (gnomAD no frequency). This variant has not been reported in the literature in individuals affected with CBL-related conditions. Invitae Evidence Modeling of protein sequence and biophysical properties (such as structural, functional, and spatial information, amino acid conservation, physicochemical variation, residue mobility, and thermodynamic stability) indicates that this missense variant is not expected to disrupt CBL protein function with a negative predictive value of 95%. In summary, the available evidence is currently insufficient to determine the role of this variant in disease. Therefore, it has been classified as a Variant of Uncertain Significance.